The following is an entry in ClinVar:

NM_000548.5(TSC2):c.5013_5018del (p.Ile1672_Val1673del)

Gene: TSC2 (TSC complex subunit 2; plus strand). Cytogenetic location: 16p13.3.
Variant type: Deletion.
Coding change: c.5013_5018del on transcript NM_000548.5 (MANE Select); coding-DNA positions 5013 to 5018, 6 bases deleted (GATCGT; older notation c.5013_5018delGATCGT).
Protein change: p.Ile1672_Val1673del.
Molecular consequence: inframe deletion. On other transcripts: inframe indel (32).
Genome position (GRCh38, 1-based): chr16:2,087,886-2,087,891, GATCGT deleted; deleting any 6 consecutive bases within chr16:2,087,883-2,087,891 gives the same sequence; the c. name uses the placement nearest the transcript's 3' end. VCF-style (leftmost placement, unchanged base first): chr16-2087882-ACGTGAT-A. GRCh37 (hg19) VCF-style: chr16-2137883-ACGTGAT-A.
Other names: c.4812_4817del, p.Ile1605_Val1606del (NM_001077183.3); c.4944_4949del, p.Ile1649_Val1650del (NM_001114382.3); c.4704_4709del, p.Ile1569_Val1570del (NM_001318827.2); c.4668_4673del, p.Ile1557_Val1558del (NM_001318829.2); c.4281_4286del, p.Ile1428_Val1429del (NM_001318831.2); c.4845_4850del, p.Ile1616_Val1617del (NM_001318832.2); c.4815_4820del, p.Ile1606_Val1607del (NM_001363528.2); c.4881_4886del, p.Ile1628_Val1629del (NM_001370404.1); and 26 more.
Identifiers: ClinVar variation 2095624 (VCV002095624.4), dbSNP rs2544461724, ClinGen allele CA2580091118.

ClinVar aggregate classification (germline): Uncertain significance (1 of 4 stars; one submission).

Conditions:
Tuberous sclerosis 2 (TSC2). Identifiers: Orphanet 805, MedGen C1860707, MONDO:0013199, OMIM 613254.

Submission:

Labcorp Genetics (formerly Invitae), Labcorp
Classification: Uncertain significance for Tuberous sclerosis 2. Last evaluated: 2022-02-09. Review status: criteria provided, single submitter. Criteria: Invitae Variant Classification Sherloc (09022015). Collection method: clinical testing. Allele origin: germline.
Comment: This variant disrupts a region of the TSC2 protein in which other variant(s) (p.Val1673Phe) have been observed in individuals with TSC2-related conditions (PMID: 22903760). This suggests that this is a clinically significant region of the protein, and that variants that disrupt it are likely to be disease-causing. In summary, the available evidence is currently insufficient to determine the role of this variant in disease. Therefore, it has been classified as a Variant of Uncertain Significance. This variant has been observed in individual(s) with tuberous sclerosis complex (Invitae). This variant is not present in population databases (gnomAD no frequency). This variant, c.5013_5018del, results in the deletion of 2 amino acid(s) of the TSC2 protein (p.Ile1672_Val1673del), but otherwise preserves the integrity of the reading frame.

Literature cited by the submitters: PubMed 22903760.